The following is an entry in ClinVar:

NM_005359.6(SMAD4):c.983A>T (p.Tyr328Phe)

Gene: SMAD4 (SMAD family member 4; plus strand). Cytogenetic location: 18q21.2.
Variant type: single nucleotide variant.
Coding change: c.983A>T on transcript NM_005359.6 (MANE Select); coding-DNA position 983, A replaced by T.
Protein change: p.Tyr328Phe; replaces tyrosine 328 with phenylalanine.
Molecular consequence: missense variant. On other transcripts: non-coding transcript variant (2).
Genome position (GRCh38, 1-based): chr18:51,065,450, A>T. VCF-style: chr18-51065450-A-T. GRCh37 (hg19) VCF-style: chr18-48591820-A-T.
Other names: c.983A>T, p.Tyr328Phe (NM_001407041.1, NM_001407042.1, NM_001407043.1); short protein forms Y328F.
Identifiers: ClinVar variation 3798803 (VCV003798803.1).

ClinVar aggregate classification (germline): Uncertain significance (1 of 4 stars; one submission).

Conditions:
Familial thoracic aortic aneurysm and aortic dissection (TAAD). Also called: Thoracic aortic aneurysms and dissections. Identifiers: Orphanet 91387, MedGen C4707243, MONDO:0019625.
Hereditary cancer-predisposing syndrome. Also called: Neoplastic Syndromes, Hereditary; Hereditary Cancer Syndrome; Tumor predisposition; Hereditary neoplastic syndrome. Identifiers: Orphanet 140162, MedGen C0027672, MeSH D009386, MONDO:0015356.

Submission:

Ambry Genetics
Classification: Uncertain significance for Hereditary cancer-predisposing syndrome; Familial thoracic aortic aneurysm and aortic dissection. Last evaluated: 2024-12-11. Review status: criteria provided, single submitter. Criteria: Ambry Variant Classification Scheme 2023. Collection method: clinical testing. Allele origin: germline.
Comment: The p.Y328F variant (also known as c.983A>T), located in coding exon 8 of the SMAD4 gene, results from an A to T substitution at nucleotide position 983. The tyrosine at codon 328 is replaced by phenylalanine, an amino acid with highly similar properties. This amino acid position is conserved. In addition, this alteration is predicted to be deleterious by in silico analysis. Based on the available evidence, the clinical significance of this variant remains unclear.